The following is an entry in ClinVar:

ClinVar aggregate classification (germline): Likely benign (1 of 4 stars; one submission).

Conditions:
LRP8-related disorder. Also called: LRP8-related condition.

gnomAD v4.1: 141 of 1,613,268 alleles (0.0087%); highest among the groups gnomAD compares: Admixed American, 0.0033%; no homozygotes.

Submission:

PreventionGenetics, part of Exact Sciences
Classification: Likely benign for LRP8-related condition. Last evaluated: 2025-03-20. Review status: criteria provided, single submitter. Criteria: ACMG Guidelines, 2015. Collection method: clinical testing. Allele origin: germline.
Comment: This variant is classified as likely benign based on ACMG/AMP sequence variant interpretation guidelines (Richards et al. 2015 PMID: 25741868, with internal and published modifications).

NM_004631.5(LRP8):c.2738C>T (p.Pro913Leu)

Gene: LRP8 (LDL receptor related protein 8; minus strand). Cytogenetic location: 1p32.3.
Variant type: single nucleotide variant.
Coding change: c.2738C>T on transcript NM_004631.5 (MANE Select); coding-DNA position 2738, C replaced by T.
Protein change: p.Pro913Leu; replaces proline 913 with leucine.
Molecular consequence: missense variant. On other transcripts: intron variant (2).
Genome position (GRCh38, 1-based): chr1:53,249,495, G>A on the plus strand (C>T on the coding strand, the complement: LRP8 is on the minus strand). VCF-style: chr1-53249495-G-A. GRCh37 (hg19) VCF-style: chr1-53715167-G-A.
Other names: c.2228C>T, p.Pro743Leu (NM_033300.4); c.2064+1195C>T (NM_017522.5); c.2676+1195C>T (NM_001018054.3); short protein forms P913L, P743L.
Identifiers: ClinVar variation 5001563 (VCV005001563.1).